The following is an entry in ClinVar:

NM_022788.5(P2RY12):c.653G>A (p.Arg218Gln)

Genes: MED12L (mediator complex subunit 12L; plus strand), P2RY12 (purinergic receptor P2Y12; minus strand). Cytogenetic location: 3q25.1.
Variant type: single nucleotide variant.
Coding change: c.653G>A on transcript NM_022788.5 (MANE Select); coding-DNA position 653, G replaced by A.
Protein change: p.Arg218Gln; replaces arginine 218 with glutamine.
Molecular consequence: missense variant. On other transcripts: intron variant (2).
Genome position (GRCh38, 1-based): chr3:151,338,193, C>T on the plus strand (G>A on the coding strand, the complement: P2RY12 is on the minus strand). VCF-style: chr3-151338193-C-T. GRCh37 (hg19) VCF-style: chr3-151055981-C-T.
Other names: c.653G>A, p.Arg218Gln (NM_176876.3); c.2251-11866C>T (NM_001393769.1); c.2146-11866C>T (NM_053002.6); short protein forms R218Q.
Identifiers: ClinVar variation 2968616 (VCV002968616.3), dbSNP rs911824376, ClinGen allele CA85726025.

ClinVar aggregate classification (germline): Uncertain significance (1 of 4 stars; one submission).

Allele frequency attached by ClinVar (database versions not stated): TOPMed below 0.00001; gnomAD 0.00001.
gnomAD v4.1: 26 of 1,613,860 alleles (0.0016%); highest among the groups gnomAD compares: East Asian, 0.0022%; no homozygotes.

Submission:

Labcorp Genetics (formerly Invitae), Labcorp
Classification: Uncertain significance. Last evaluated: 2025-12-15. Review status: criteria provided, single submitter. Criteria: Invitae Variant Classification Sherloc (09022015). Collection method: clinical testing. Allele origin: germline.
Comment: This sequence change replaces arginine, which is basic and polar, with glutamine, which is neutral and polar, at codon 218 of the P2RY12 protein (p.Arg218Gln). This variant is present in population databases (no rsID available, gnomAD 0.01%). This variant has not been reported in the literature in individuals affected with P2RY12-related conditions. ClinVar contains an entry for this variant (Variation ID: 2968616). An algorithm developed to predict the effect of missense changes on protein structure and function (PolyPhen-2) suggests that this variant is likely to be tolerated. In summary, the available evidence is currently insufficient to determine the role of this variant in disease. Therefore, it has been classified as a Variant of Uncertain Significance.